The following is an entry in ClinVar:

NC_000009.12:g.35658011C>T

Gene: RMRP (RNA component of mitochondrial RNA processing endoribonuclease; minus strand). Cytogenetic location: 9p13.3.
Variant type: single nucleotide variant.
Genome position: GRCh38 VCF-style: chr9-35658011-C-T. GRCh37 (hg19) VCF-style: chr9-35658008-C-T.
Identifiers: ClinVar variation 2111460 (VCV002111460.4), dbSNP rs931636767, ClinGen allele CA464451082.

ClinVar aggregate classification (germline): Uncertain significance (1 of 4 stars; one submission).

Conditions:
Anauxetic dysplasia. Identifiers: Orphanet 93347, MedGen C1846796, MONDO:0011773.

gnomAD v4.1: 3 of 692,388 alleles (0.00043%); highest among the groups gnomAD compares: South Asian, 0.003%; no homozygotes.

Submission:

Labcorp Genetics (formerly Invitae), Labcorp
Classification: Uncertain significance for Anauxetic dysplasia. Last evaluated: 2022-05-30. Review status: criteria provided, single submitter. Criteria: Invitae Variant Classification Sherloc (09022015). Collection method: clinical testing. Allele origin: germline.
Comment: In summary, the available evidence is currently insufficient to determine the role of this variant in disease. Therefore, it has been classified as a Variant of Uncertain Significance. Experimental studies and prediction algorithms are not available or were not evaluated, and the functional significance of this variant is currently unknown. This variant has not been reported in the literature in individuals affected with RMRP-related conditions. This variant is present in population databases (no rsID available, gnomAD 0.009%). This variant occurs in the RMRP gene, which encodes an RNA molecule that does not result in a protein product.